The following is an entry in ClinVar:

NM_000132.4(F8):c.5586+2T>G

Gene: F8 (coagulation factor VIII; minus strand). Cytogenetic location: Xq28.
Variant type: single nucleotide variant.
Coding change: c.5586+2T>G on transcript NM_000132.4 (MANE Select); the canonical splice donor site of the intron after coding-DNA position 5586, T replaced by G.
Molecular consequence: splice donor variant.
Genome position (GRCh38, 1-based): chrX:154,904,809, A>C on the plus strand (T>G on the coding strand, the complement: F8 is on the minus strand). VCF-style: chrX-154904809-A-C. GRCh37 (hg19) VCF-style: chrX-154133084-A-C.
Identifiers: ClinVar variation 3766983 (VCV003766983.1).

ClinVar aggregate classification (germline): Pathogenic (1 of 4 stars; one submission).

Submission:

ARUP Laboratories, Molecular Genetics and Genomics, ARUP Laboratories
Classification: Pathogenic. Last evaluated: 2024-11-14. Review status: criteria provided, single submitter. Criteria: ARUP Molecular Germline Variant Investigation Process 2024. Collection method: clinical testing. Allele origin: germline.
Comment: The F8 c.5586+2T>G variant is reported in the literature in multiple individuals affected with moderate to severe hemophilia A (see F8 database and references therein). This variant is also absent from the Genome Aggregation Database (v2.1.1), indicating it is not a common polymorphism. This variant disrupts the canonical splice donor site of intron 16, which is likely to negatively impact gene function. Based on available information, this variant is considered to be pathogenic. References: Link to F8 database